The following is an entry in ClinVar:

ClinVar aggregate classification (germline): Likely benign. Review status: criteria provided, multiple submitters, no conflicts (2 of 4 stars). 2 submissions from 2 submitters: Likely benign (2). Last evaluated 2018-06-16.

Allele frequency attached by ClinVar (database versions not stated): 1000 Genomes Project 30x 0.01374; 1000 Genomes Project 0.01398; gnomAD 0.02460 and 0.02571; ESP Exome Variant Server 0.02699; TOPMed 0.02712.
gnomAD v4.1: 38,314 of 1,556,400 alleles (2.5%); highest among the groups gnomAD compares: Middle Eastern, 4.6%; 576 homozygotes.

Submissions (2):

GeneDx
Classification: Likely benign. Last evaluated: 2018-06-16. Review status: criteria provided, single submitter. Criteria: GeneDx Variant Classification (06012015). Collection method: clinical testing. Allele origin: germline. Affected: yes.
Comment: This variant is considered likely benign or benign based on one or more of the following criteria: it is a conservative change, it occurs at a poorly conserved position in the protein, it is predicted to be benign by multiple in silico algorithms, and/or has population frequency not consistent with disease.

Breakthrough Genomics
Classification: Likely benign. Review status: criteria provided, single submitter. Criteria: ACMG Guidelines, 2015. Collection method: not provided. Allele origin: germline. Inheritance: Autosomal recessive inheritance. Affected: yes.

NM_000722.4(CACNA2D1):c.295-41C>T

Gene: CACNA2D1 (calcium voltage-gated channel auxiliary subunit alpha2delta 1; minus strand). Cytogenetic location: 7q21.11.
Variant type: single nucleotide variant.
Coding change: c.295-41C>T on transcript NM_000722.4 (MANE Select); 41 bases into the intron before coding-DNA position 295, C replaced by T.
Molecular consequence: intron variant.
Genome position (GRCh38, 1-based): chr7:82,170,650, G>A on the plus strand (C>T on the coding strand, the complement: CACNA2D1 is on the minus strand). VCF-style: chr7-82170650-G-A. GRCh37 (hg19) VCF-style: chr7-81799966-G-A.
Other names: c.295-41C>T (NM_001366867.1, NM_001302890.2).
Identifiers: ClinVar variation 674764 (VCV000674764.2), dbSNP rs17155967, ClinGen allele CA4318429.